The following is an entry in ClinVar:

NM_001006658.3(CR2):c.1613A>G (p.His538Arg)

Gene: CR2 (complement C3d receptor 2; plus strand). Cytogenetic location: 1q32.2.
Variant type: single nucleotide variant.
Coding change: c.1613A>G on transcript NM_001006658.3 (MANE Select); coding-DNA position 1613, A replaced by G.
Protein change: p.His538Arg; replaces histidine 538 with arginine.
Molecular consequence: missense variant.
Genome position (GRCh38, 1-based): chr1:207,472,814, A>G. VCF-style: chr1-207472814-A-G. GRCh37 (hg19) VCF-style: chr1-207646159-A-G.
Other names: p.His538Arg; c.1613A>G, p.His538Arg (NM_001877.5); short protein forms H538R.
Identifiers: ClinVar variation 1342178 (VCV001342178.5), dbSNP rs763755514, ClinGen allele CA1368776.

ClinVar aggregate classification (germline): Conflicting classifications of pathogenicity. Review status: criteria provided, conflicting classifications (1 of 4 stars). 2 submissions from 2 submitters: Likely pathogenic (1); Uncertain significance (1). Last evaluated 2023-10-25.

Conditions:
Immunodeficiency, common variable, 7. Identifiers: Orphanet 1572, Orphanet 696894, MedGen C3542922, MONDO:0013862, OMIM 614699.

Allele frequency attached by ClinVar (database versions not stated): gnomAD 0.00001 and 0.00002; ExAC 0.00012; TOPMed 0.00002; gnomAD exomes 0.00006 and 0.00010.
gnomAD v4.1: 87 of 1,613,860 alleles (0.0054%); highest among the groups gnomAD compares: South Asian, 0.083%; no homozygotes.

Submissions (2):

Labcorp Genetics (formerly Invitae), Labcorp
Classification: Uncertain significance for Immunodeficiency, common variable, 7. Last evaluated: 2023-10-25. Review status: criteria provided, single submitter. Criteria: Invitae Variant Classification Sherloc (09022015). Collection method: clinical testing. Allele origin: germline.
Comment: This sequence change replaces histidine, which is basic and polar, with arginine, which is basic and polar, at codon 538 of the CR2 protein (p.His538Arg). This variant is present in population databases (rs763755514, gnomAD 0.08%). This variant has not been reported in the literature in individuals affected with CR2-related conditions. ClinVar contains an entry for this variant (Variation ID: 1342178). An algorithm developed to predict the effect of missense changes on protein structure and function (PolyPhen-2) suggests that this variant is likely to be disruptive. In summary, the available evidence is currently insufficient to determine the role of this variant in disease. Therefore, it has been classified as a Variant of Uncertain Significance.

Foundation for Research in Genetics and Endocrinology, FRIGE's Institute of Human Genetics
Classification: Likely pathogenic for Immunodeficiency, common variable, 7. Last evaluated: 2021-08-14. Review status: criteria provided, single submitter. Criteria: ACMG Guidelines, 2015. Collection method: clinical testing. Allele origin: maternal. Inheritance: Autosomal recessive inheritance. Affected: yes. Observed: 1 heterozygote.
Comment: A heterozygous missense variation in exon 10 of the CR2 gene that results in the amino acid substitution of Arginine for Histidine at codon 538 was detected. The observed variant c.1613A>G (p.His538Arg) has not been reported in the 1000 genomes and has a minor allele frequency of 0.002% in the gnomAD. The in silico prediction of the variant are possibly damaging by PolyPhen-2 (HumDiv) and damaging by SIFT and MutationTaster2. The reference codon is conserved across species. In summary, the variant meets our criteria to be classified as a likely pathogenic variant.